The following is an entry in ClinVar:

NM_005732.4(RAD50):c.1679G>A (p.Ser560Asn)

Gene: RAD50 (RAD50 double strand break repair protein; plus strand). Cytogenetic location: 5q31.1.
Variant type: single nucleotide variant.
Coding change: c.1679G>A on transcript NM_005732.4 (MANE Select); coding-DNA position 1679, G replaced by A.
Protein change: p.Ser560Asn; replaces serine 560 with asparagine.
Molecular consequence: missense variant.
Genome position (GRCh38, 1-based): chr5:132,591,920, G>A. VCF-style: chr5-132591920-G-A. GRCh37 (hg19) VCF-style: chr5-131927612-G-A.
Other names: short protein forms S560N.
Identifiers: ClinVar variation 819769 (VCV000819769.15), dbSNP rs763571038, ClinGen allele CA360946415.
Genomic context (GRCh38, chr5:132,591,920, plus strand): 5'-TTTTTTTTTACCTATAGGCTGACAAAGATGAACAAATCAGAAAAATAAAATCTAGGCACA[G>A]TGATGAATTAACCTCACTGTTGGGATATTTTCCCAACAAAAAACAGCTTGAAGACTGGCT-3'
Protein context (NP_005723.2, residues 550-570): EQIRKIKSRH[Ser560Asn]DELTSLLGYF

ClinVar aggregate classification (germline): Uncertain significance. Review status: criteria provided, multiple submitters, no conflicts (2 of 4 stars). 3 submissions from 3 submitters: Uncertain significance (3). Last evaluated 2024-08-30.

Conditions:
Hereditary cancer-predisposing syndrome. Also called: Neoplastic Syndromes, Hereditary; Tumor predisposition; Hereditary Cancer Syndrome; Hereditary neoplastic syndrome. Identifiers: Orphanet 140162, MedGen C0027672, MeSH D009386, MONDO:0015356.

gnomAD v4.1: 2 of 1,609,294 alleles (0.00012%); highest among the groups gnomAD compares: Admixed American, 0.0033%; no homozygotes.

Submissions (3):

Ambry Genetics
Classification: Uncertain significance for Hereditary cancer-predisposing syndrome. Last evaluated: 2024-08-30. Review status: criteria provided, single submitter. Criteria: Ambry Variant Classification Scheme 2023. Collection method: clinical testing. Allele origin: germline.
Comment: The p.S560N variant (also known as c.1679G>A), located in coding exon 11 of the RAD50 gene, results from a G to A substitution at nucleotide position 1679. The serine at codon 560 is replaced by asparagine, an amino acid with highly similar properties. This amino acid position is not well conserved in available vertebrate species. In addition, this alteration is predicted to be tolerated by in silico analysis. Since supporting evidence is limited at this time, the clinical significance of this alteration remains unclear.

Labcorp Genetics (formerly Invitae), Labcorp
Classification: Uncertain significance for Hereditary cancer-predisposing syndrome. Last evaluated: 2023-08-31. Review status: criteria provided, single submitter. Criteria: Invitae Variant Classification Sherloc (09022015). Collection method: clinical testing. Allele origin: germline.
Comment: This sequence change replaces serine, which is neutral and polar, with asparagine, which is neutral and polar, at codon 560 of the RAD50 protein (p.Ser560Asn). This variant is present in population databases (no rsID available, gnomAD 0.006%). This variant has not been reported in the literature in individuals affected with RAD50-related conditions. ClinVar contains an entry for this variant (Variation ID: 819769). Advanced modeling of protein sequence and biophysical properties (such as structural, functional, and spatial information, amino acid conservation, physicochemical variation, residue mobility, and thermodynamic stability) performed at Invitae indicates that this missense variant is not expected to disrupt RAD50 protein function. In summary, the available evidence is currently insufficient to determine the role of this variant in disease. Therefore, it has been classified as a Variant of Uncertain Significance.

Quest Diagnostics Nichols Institute San Juan Capistrano
Classification: Uncertain significance. Last evaluated: 2023-06-23. Review status: criteria provided, single submitter. Criteria: Quest Diagnostics criteria. Collection method: clinical testing. Allele origin: unknown.
Comment: This variant has not been reported in the published literature. The frequency of this variant in the general population, 0.000008 (2/251144 chromosomes (Genome Aggregation Database)), is uninformative in the assessment of its pathogenicity. Analysis of this variant using bioinformatics tools for the prediction of the effect of amino acid changes on protein structure and function yielded predictions that this variant is benign. Based on the available information, we are unable to determine the clinical significance of this variant.